The following is an entry in ClinVar:

ClinVar aggregate classification (germline): Pathogenic. Review status: criteria provided, multiple submitters, no conflicts (2 of 4 stars). 3 submissions from 3 submitters: Pathogenic (2). 1 of the submissions does not count toward it. Last evaluated 2023-08-04.

Conditions:
Skeletal dysplasia. Also called: Primary bone dysplasia. Identifiers: Orphanet 364526, MedGen C0410528, MONDO:0018230, HP:0002652.
Metatropic dysplasia (MTD). Also called: Metatropic dysplasia, nonlethal dominant; Metatropic Dysplasia, TRPV4-Related; METATROPIC DWARFISM. Identifiers: Orphanet 2635, MedGen C0265281, MONDO:0007986, OMIM 156530.
Charcot-Marie-Tooth disease axonal type 2C (HMSN2C). Also called: CHARCOT-MARIE-TOOTH DISEASE, AXONAL, AUTOSOMAL DOMINANT, TYPE 2C; Charcot-Marie-Tooth Neuropathy Type 2C; Charcot-Marie-Tooth Disease Type 2, TRPV4-Related (CMT2C). Identifiers: Orphanet 99937, MedGen C1853710, MONDO:0011633, OMIM 606071.

Submissions (3):

Labcorp Genetics (formerly Invitae), Labcorp
Classification: Pathogenic for Charcot-Marie-Tooth disease axonal type 2C. Last evaluated: 2023-08-04. Review status: criteria provided, single submitter. Criteria: Invitae Variant Classification Sherloc (09022015). Collection method: clinical testing. Allele origin: germline.
Comment: For these reasons, this variant has been classified as Pathogenic. Advanced modeling of protein sequence and biophysical properties (such as structural, functional, and spatial information, amino acid conservation, physicochemical variation, residue mobility, and thermodynamic stability) has been performed at Invitae for this missense variant, however the output from this modeling did not meet the statistical confidence thresholds required to predict the impact of this variant on TRPV4 protein function. ClinVar contains an entry for this variant (Variation ID: 126463). This missense change has been observed in individual(s) with autosomal dominant spondylometaphyseal dysplasia (PMID: 21658220; Invitae). In at least one individual the variant was observed to be de novo. This variant is not present in population databases (gnomAD no frequency). This sequence change replaces lysine, which is basic and polar, with glutamic acid, which is acidic and polar, at codon 407 of the TRPV4 protein (p.Lys407Glu).

Kasturba Medical College, Manipal, Kasturba Medical College, Manipal, Manipal Academy of Higher Education, Manipal, India
Classification: Pathogenic for Metatropic dysplasia. Review status: criteria provided, single submitter. Criteria: ACMG Guidelines, 2015. Collection method: clinical testing. Allele origin: de novo. Inheritance: Autosomal dominant inheritance. Affected: yes.

GeneReviews
No classification provided. Condition: Skeletal dysplasia. Review status: no classification provided. Collection method: literature only. Allele origin: germline. Affected: yes. Not counted in ClinVar's aggregate classification.

Literature cited by the submitters: PubMed 21658220 (cited by Labcorp Genetics (formerly Invitae), Labcorp); PubMed 24830047 (cited by Kasturba Medical College, Manipal, Kasturba Medical College, Manipal, Manipal Academy of Higher Education, Manipal, India); NCBI Bookshelf NBK201366 (cited by GeneReviews).

NM_021625.5(TRPV4):c.1219A>G (p.Lys407Glu)

Gene: TRPV4 (transient receptor potential cation channel subfamily V member 4; minus strand). Cytogenetic location: 12q24.11.
Variant type: single nucleotide variant.
Coding change: c.1219A>G on transcript NM_021625.5 (MANE Select); coding-DNA position 1219, A replaced by G.
Protein change: p.Lys407Glu; replaces lysine 407 with glutamic acid.
Molecular consequence: missense variant. On other transcripts: intron variant (2).
Genome position (GRCh38, 1-based): chr12:109,796,638, T>C on the plus strand (A>G on the coding strand, the complement: TRPV4 is on the minus strand). VCF-style: chr12-109796638-T-C. GRCh37 (hg19) VCF-style: chr12-110234443-T-C.
Other names: c.1078A>G, p.Lys360Glu (NM_001177428.2); c.1117A>G, p.Lys373Glu (NM_001177431.2); c.1011+1976A>G (NM_001177433.1); c.1152+1976A>G (NM_147204.2); short protein forms K373E, K360E.
Identifiers: ClinVar variation 126463 (VCV000126463.10), dbSNP rs515726153, ClinGen allele CA347755.